The following is an entry in ClinVar:

NM_000143.4(FH):c.189A>G (p.Pro63=)

Gene: FH (fumarate hydratase; minus strand). Cytogenetic location: 1q43.
Variant type: single nucleotide variant.
Coding change: c.189A>G on transcript NM_000143.4 (MANE Select); coding-DNA position 189, A replaced by G.
Protein change: p.Pro63=; no amino-acid change (proline 63 retained).
Molecular consequence: synonymous variant.
Genome position (GRCh38, 1-based): chr1:241,517,260, T>C on the plus strand (A>G on the coding strand, the complement: FH is on the minus strand). VCF-style: chr1-241517260-T-C. GRCh37 (hg19) VCF-style: chr1-241680560-T-C.
Identifiers: ClinVar variation 1782229 (VCV001782229.8), dbSNP rs375195780, ClinGen allele CA1478752.

ClinVar aggregate classification (germline): Benign/Likely benign. Review status: criteria provided, multiple submitters, no conflicts (2 of 4 stars). 3 submissions from 3 submitters: Benign (1); Likely benign (2). Last evaluated 2025-11-03.

Conditions:
Hereditary leiomyomatosis and renal cell cancer. Also called: MULTIPLE CUTANEOUS AND UTERINE LEIOMYOMATA 1, WITH OR WITHOUT RENAL CELL CARCINOMA; LEIOMYOMA, MULTIPLE CUTANEOUS; Reed syndrome; Multiple cutaneous and uterine leiomyomatosis; Cutaneous leiomyomata with uterine leiomyomata; Leiomyoma, hereditary multiple, of skin. Identifiers: Orphanet 523, MedGen C1708350, MONDO:0007888, OMIM 150800, HP:0007437. Disease mechanism: loss of function.
Hereditary cancer-predisposing syndrome. Also called: Neoplastic Syndromes, Hereditary; Tumor predisposition; Hereditary Cancer Syndrome; Hereditary neoplastic syndrome. Identifiers: Orphanet 140162, MedGen C0027672, MeSH D009386, MONDO:0015356.

Allele frequency attached by ClinVar (database versions not stated): ExAC 0.00001; TOPMed 0.00002; gnomAD 0.00003; ESP Exome Variant Server 0.00008.
gnomAD v4.1: 4 of 1,614,070 alleles (0.00025%); highest among the groups gnomAD compares: African/African-American, 0.0053%; no homozygotes.

Submissions (3):

Labcorp Genetics (formerly Invitae), Labcorp
Classification: Likely benign. Last evaluated: 2025-11-03. Review status: criteria provided, single submitter. Criteria: Invitae Variant Classification Sherloc (09022015). Collection method: clinical testing. Allele origin: germline.

Myriad Genetics, Inc.
Classification: Benign for Hereditary leiomyomatosis and renal cell cancer. Last evaluated: 2024-10-17. Review status: criteria provided, single submitter. Criteria: Myriad Autosomal Dominant, Autosomal Recessive and X-Linked Classification Criteria (2023). Collection method: clinical testing. Allele origin: unknown.
Comment: This variant is considered benign. This variant is a silent/synonymous amino acid change and it is not expected to impact splicing.

Ambry Genetics
Classification: Likely benign for Hereditary cancer-predisposing syndrome. Last evaluated: 2021-06-09. Review status: criteria provided, single submitter. Criteria: Ambry Variant Classification Scheme 2023. Collection method: clinical testing. Allele origin: germline.